The following is an entry in ClinVar:

ClinVar aggregate classification (germline): Benign/Likely benign. Review status: criteria provided, multiple submitters, no conflicts (2 of 4 stars). 8 submissions from 8 submitters: Benign (6); Likely benign (2). Last evaluated 2026-01-24.

Conditions:
Chudley-McCullough syndrome (CMCS). Also called: DEAFNESS, SENSORINEURAL, WITH PARTIAL AGENESIS OF THE CORPUS CALLOSUM AND ARACHNOID CYSTS; Deafness, autosomal recessive 82. Identifiers: Orphanet 314597, MedGen C1858695, MONDO:0011411, OMIM 604213.

Allele frequency attached by ClinVar (database versions not stated): gnomAD exomes 0.02092; ExAC 0.02258; gnomAD 0.03137 and 0.03177; ESP Exome Variant Server 0.03175; TOPMed 0.03354; 1000 Genomes Project 0.04034; 1000 Genomes Project 30x 0.04122.
gnomAD v4.1: 25,685 of 1,612,994 alleles (1.6%); highest among the groups gnomAD compares: African/African-American, 7.7%; 558 homozygotes.

Submissions (8):

Labcorp Genetics (formerly Invitae), Labcorp
Classification: Benign. Last evaluated: 2026-01-24. Review status: criteria provided, single submitter. Criteria: Invitae Variant Classification Sherloc (09022015). Collection method: clinical testing. Allele origin: germline.

Blueprint Genetics
Classification: Benign. Last evaluated: 2024-11-26. Review status: criteria provided, single submitter. Criteria: ACMG Guidelines, 2015. Collection method: clinical testing. Allele origin: germline.

Athena Diagnostics
Classification: Benign. Last evaluated: 2018-10-12. Review status: criteria provided, single submitter. Criteria: Athena Diagnostics Criteria. Collection method: clinical testing. Allele origin: germline.

Illumina Laboratory Services, Illumina
Classification: Likely benign for Chudley-McCullough syndrome. Last evaluated: 2018-01-13. Review status: criteria provided, single submitter. Criteria: ICSL Variant Classification Criteria 13 December 2019. Collection method: clinical testing. Allele origin: germline.
Comment: This variant was observed in the ICSL laboratory as part of a predisposition screen in an ostensibly healthy population. It had not been previously curated by ICSL or reported in the Human Gene Mutation Database (HGMD: prior to June 1st, 2018), and was therefore a candidate for classification through an automated scoring system. Utilizing variant allele frequency, disease prevalence and penetrance estimates, and inheritance mode, an automated score was calculated to assess if this variant is too frequent to cause the disease. Based on the score and internal cut-off values, a variant classified as likely benign is not then subjected to further curation. The score for this variant resulted in a classification of likely benign for this disease.

GeneDx
Classification: Benign. Last evaluated: 2016-03-14. Review status: criteria provided, single submitter. Criteria: GeneDx Variant Classification (06012015). Collection method: clinical testing. Allele origin: germline. Affected: yes.
Comment: This variant is considered likely benign or benign based on one or more of the following criteria: it is a conservative change, it occurs at a poorly conserved position in the protein, it is predicted to be benign by multiple in silico algorithms, and/or has population frequency not consistent with disease.

Laboratory for Molecular Medicine, Mass General Brigham Personalized Medicine
Classification: Benign. Last evaluated: 2012-05-07. Review status: criteria provided, single submitter. Criteria: LMM Criteria. Collection method: clinical testing. Allele origin: germline. Observed: 65 variant alleles.
Comment: Thr457Met in Exon 12 of GPSM2: This variant is not expected to have clinical sig nificance because it has been identified in 7.2% (270/3738) of African American chromosomes from a broad population by the NHLBI Exome Sequencing Project (dbSNP rs35089879).

Breakthrough Genomics
Classification: Likely benign. Review status: criteria provided, single submitter. Criteria: ACMG Guidelines, 2015. Collection method: not provided. Allele origin: germline. Inheritance: Autosomal recessive inheritance. Affected: yes.

PreventionGenetics, part of Exact Sciences
Classification: Benign. Review status: criteria provided, single submitter. Criteria: ACMG Guidelines, 2015. Collection method: clinical testing. Allele origin: germline.

NM_013296.5(GPSM2):c.1370C>T (p.Thr457Met)

Gene: GPSM2 (G protein signaling modulator 2; plus strand). Cytogenetic location: 1p13.3.
Variant type: single nucleotide variant.
Coding change: c.1370C>T on transcript NM_013296.5 (MANE Select); coding-DNA position 1370, C replaced by T.
Protein change: p.Thr457Met; replaces threonine 457 with methionine.
Molecular consequence: missense variant.
Genome position (GRCh38, 1-based): chr1:108,918,719, C>T. VCF-style: chr1-108918719-C-T. GRCh37 (hg19) VCF-style: chr1-109461341-C-T.
Other names: c.1370C>T, p.Thr457Met (NM_001321038.2, NM_001321039.3); short protein forms T457M.
Identifiers: ClinVar variation 45564 (VCV000045564.19), dbSNP rs35089879, ClinGen allele CA136662.